The following is an entry in ClinVar:

NM_000123.4(ERCC5):c.2880-239A>G

Genes: BIVM-ERCC5 (BIVM-ERCC5 readthrough; plus strand), ERCC5 (ERCC excision repair 5, endonuclease; plus strand). Cytogenetic location: 13q33.1.
Variant type: single nucleotide variant.
Coding change: c.2880-239A>G on transcript NM_000123.4 (MANE Select); 239 bases into the intron before coding-DNA position 2880, A replaced by G.
Molecular consequence: intron variant.
Genome position (GRCh38, 1-based): chr13:102,873,020, A>G. VCF-style: chr13-102873020-A-G. GRCh37 (hg19) VCF-style: chr13-103525370-A-G.
Other names: c.4242-239A>G (NM_001204425.2).
Identifiers: ClinVar variation 1804526 (VCV001804526.1), dbSNP rs76476666, ClinGen allele CA255466850.

ClinVar aggregate classification (germline): Likely benign (1 of 4 stars; one submission).

Allele frequency attached by ClinVar (database versions not stated): 1000 Genomes Project 30x 0.00359; 1000 Genomes Project 0.00379.
gnomAD v4.1: 391 of 152,308 alleles (0.26%); highest among the groups gnomAD compares: African/African-American, 0.9%; 1 homozygote.

Submission:

GeneDx
Classification: Likely benign. Last evaluated: 2019-07-26. Review status: criteria provided, single submitter. Criteria: GeneDx Variant Classification Process June 2021. Collection method: clinical testing. Allele origin: germline. Affected: yes.
Comment: See Variant Classification Assertion Criteria.